The following is an entry in ClinVar:

ClinVar aggregate classification (germline): Uncertain significance (1 of 4 stars; one submission).

Conditions:
Joubert syndrome. Also called: CEREBELLOPARENCHYMAL DISORDER IV; JOUBERT-BOLTSHAUSER SYNDROME; Familial aplasia of the vermis. Identifiers: Orphanet 475, MedGen C5979921, MONDO:0018772.

gnomAD v4.1: 23 of 1,611,166 alleles (0.0014%); highest among the groups gnomAD compares: South Asian, 0.013%; 1 homozygote.

Submission:

Labcorp Genetics (formerly Invitae), Labcorp
Classification: Uncertain significance for Joubert syndrome. Last evaluated: 2025-08-19. Review status: criteria provided, single submitter. Criteria: Invitae Variant Classification Sherloc (09022015). Collection method: clinical testing. Allele origin: germline.
Comment: This sequence change replaces alanine, which is neutral and non-polar, with threonine, which is neutral and polar, at codon 491 of the INPP5E protein (p.Ala491Thr). This variant is present in population databases (rs371375165, gnomAD 0.02%). This variant has not been reported in the literature in individuals affected with INPP5E-related conditions. Invitae Evidence Modeling of protein sequence and biophysical properties (such as structural, functional, and spatial information, amino acid conservation, physicochemical variation, residue mobility, and thermodynamic stability) indicates that this missense variant is not expected to disrupt INPP5E protein function with a negative predictive value of 95%. In summary, the available evidence is currently insufficient to determine the role of this variant in disease. Therefore, it has been classified as a Variant of Uncertain Significance.

NM_019892.6(INPP5E):c.1471G>A (p.Ala491Thr)

Gene: INPP5E (inositol polyphosphate-5-phosphatase E; minus strand). Cytogenetic location: 9q34.3.
Variant type: single nucleotide variant.
Coding change: c.1471G>A on transcript NM_019892.6 (MANE Select); coding-DNA position 1471, G replaced by A.
Protein change: p.Ala491Thr; replaces alanine 491 with threonine.
Molecular consequence: missense variant.
Genome position (GRCh38, 1-based): chr9:136,431,902, C>T on the plus strand (G>A on the coding strand, the complement: INPP5E is on the minus strand). VCF-style: chr9-136431902-C-T. GRCh37 (hg19) VCF-style: chr9-139326354-C-T.
Other names: c.1468G>A, p.Ala490Thr (NM_001318502.2); short protein forms A491T, A490T.
Identifiers: ClinVar variation 4744640 (VCV004744640.1).